The following is an entry in ClinVar:

ClinVar aggregate classification (germline): Uncertain significance. Review status: criteria provided, multiple submitters, no conflicts (2 of 4 stars). 2 submissions from 2 submitters: Uncertain significance (2). Last evaluated 2024-12-05.

Conditions:
Hereditary cancer-predisposing syndrome. Also called: Hereditary Cancer Syndrome; Tumor predisposition; Hereditary neoplastic syndrome; Neoplastic Syndromes, Hereditary. Identifiers: Orphanet 140162, MedGen C0027672, MeSH D009386, MONDO:0015356.
Peutz-Jeghers syndrome (PJS). Also called: POLYPOSIS, HAMARTOMATOUS INTESTINAL; POLYPS-AND-SPOTS SYNDROME; Peutz-Jeghers polyposis; Periorificial lentiginosis syndrome. Identifiers: Orphanet 2869, MedGen C0031269, MeSH D010580, MONDO:0008280, OMIM 175200.

Submissions (2):

Ambry Genetics
Classification: Uncertain significance for Hereditary cancer-predisposing syndrome. Last evaluated: 2024-12-05. Review status: criteria provided, single submitter. Criteria: Ambry Variant Classification Scheme 2023. Collection method: clinical testing. Allele origin: germline.
Comment: The c.734+3A>G intronic variant results from an A to G substitution 3 nucleotides after coding exon 5 in the STK11 gene. This nucleotide position is not well conserved in available vertebrate species. In silico splice site analysis predicts that this alteration may result in the creation or strengthening of a novel splice donor site. Based on the available evidence, the clinical significance of this variant remains unclear.

Labcorp Genetics (formerly Invitae), Labcorp
Classification: Uncertain significance for Peutz-Jeghers syndrome. Last evaluated: 2020-02-05. Review status: criteria provided, single submitter. Criteria: Invitae Variant Classification Sherloc (09022015). Collection method: clinical testing. Allele origin: germline.
Comment: In summary, the available evidence is currently insufficient to determine the role of this variant in disease. Therefore, it has been classified as a Variant of Uncertain Significance. Nucleotide substitutions within the consensus splice site are a relatively common cause of aberrant splicing (PMID: 17576681, 9536098). Algorithms developed to predict the effect of sequence changes on RNA splicing suggest that this variant is not likely to affect RNA splicing, but this prediction has not been confirmed by published transcriptional studies. This variant has not been reported in the literature in individuals with STK11-related conditions. This variant is not present in population databases (ExAC no frequency). This sequence change falls in intron 5 of the STK11 gene. It does not directly change the encoded amino acid sequence of the STK11 protein, but it affects a nucleotide within the consensus splice site of the intron.

Literature cited by the submitters: PubMed 17576681 (cited by Labcorp Genetics (formerly Invitae), Labcorp); PubMed 9536098 (cited by Labcorp Genetics (formerly Invitae), Labcorp).

NM_000455.5(STK11):c.734+3A>G

Gene: STK11 (serine/threonine kinase 11; plus strand). Cytogenetic location: 19p13.3.
Variant type: single nucleotide variant.
Coding change: c.734+3A>G on transcript NM_000455.5 (MANE Select); 3 bases into the intron after coding-DNA position 734, A replaced by G.
Molecular consequence: intron variant.
Genome position (GRCh38, 1-based): chr19:1,220,720, A>G. VCF-style: chr19-1220720-A-G. GRCh37 (hg19) VCF-style: chr19-1220719-A-G.
Other names: c.734+3A>G (NM_000455.4).
Identifiers: ClinVar variation 1053539 (VCV001053539.8), dbSNP rs2145425563, ClinGen allele CA2499225349.